The following is an entry in ClinVar:

ClinVar aggregate classification (germline): Uncertain significance (1 of 4 stars; one submission).

gnomAD v4.1: 6 of 1,613,542 alleles (0.00037%); highest among the groups gnomAD compares: Admixed American, 0.01%; no homozygotes.

Submission:

Labcorp Genetics (formerly Invitae), Labcorp
Classification: Uncertain significance. Last evaluated: 2022-07-06. Review status: criteria provided, single submitter. Criteria: Invitae Variant Classification Sherloc (09022015). Collection method: clinical testing. Allele origin: germline.
Comment: In summary, the available evidence is currently insufficient to determine the role of this variant in disease. Therefore, it has been classified as a Variant of Uncertain Significance. Algorithms developed to predict the effect of missense changes on protein structure and function (SIFT, PolyPhen-2, Align-GVGD) all suggest that this variant is likely to be tolerated. ClinVar contains an entry for this variant (Variation ID: 1006836). This variant has not been reported in the literature in individuals affected with PDE6C-related conditions. This variant is not present in population databases (gnomAD no frequency). This sequence change replaces serine, which is neutral and polar, with alanine, which is neutral and non-polar, at codon 270 of the PDE6C protein (p.Ser270Ala).

NM_006204.4(PDE6C):c.808T>G (p.Ser270Ala)

Gene: PDE6C (phosphodiesterase 6C; plus strand). Cytogenetic location: 10q23.33.
Variant type: single nucleotide variant.
Coding change: c.808T>G on transcript NM_006204.4 (MANE Select); coding-DNA position 808, T replaced by G.
Protein change: p.Ser270Ala; replaces serine 270 with alanine.
Molecular consequence: missense variant.
Genome position (GRCh38, 1-based): chr10:93,622,016, T>G. VCF-style: chr10-93622016-T-G. GRCh37 (hg19) VCF-style: chr10-95381773-T-G.
Other names: short protein forms S270A.
Identifiers: ClinVar variation 1006836 (VCV001006836.8), dbSNP rs701865, ClinGen allele CA377628719.